The following is an entry in ClinVar:

ClinVar aggregate classification (germline): Benign. Review status: criteria provided, multiple submitters, no conflicts (2 of 4 stars). 3 submissions from 3 submitters: Benign (3). Last evaluated 2018-01-13.

Conditions:
Hypoparathyroidism, deafness, renal disease syndrome (HDRS). Also called: HYPOPARATHYROIDISM, SENSORINEURAL DEAFNESS, AND RENAL DYSPLASIA SYNDROME. Identifiers: Orphanet 2237, MedGen C1840333, MONDO:0007797, OMIM 146255.

Allele frequency attached by ClinVar (database versions not stated): 1000 Genomes Project 0.00319; 1000 Genomes Project 30x 0.00437; ExAC 0.00853; TOPMed 0.01029; gnomAD exomes 0.01056 and 0.01619.
gnomAD v4.1: 24,028 of 1,535,510 alleles (1.6%); highest among the groups gnomAD compares: Non-Finnish European, 1.9%; 232 homozygotes.

Submissions (3):

Illumina Laboratory Services, Illumina
Classification: Benign for Hypoparathyroidism, deafness, renal disease syndrome. Last evaluated: 2018-01-13. Review status: criteria provided, single submitter. Criteria: ICSL Variant Classification Criteria 13 December 2019. Collection method: clinical testing. Allele origin: germline.
Comment: This variant was observed in the ICSL laboratory as part of a predisposition screen in an ostensibly healthy population. It had not been previously curated by ICSL or reported in the Human Gene Mutation Database (HGMD: prior to June 1st, 2018), and was therefore a candidate for classification through an automated scoring system. Utilizing variant allele frequency, disease prevalence and penetrance estimates, and inheritance mode, an automated score was calculated to assess if this variant is too frequent to cause the disease. Based on the score and internal cut-off values, a variant classified as benign is not then subjected to further curation. The score for this variant resulted in a classification of benign for this disease.

GeneDx
Classification: Benign. Last evaluated: 2017-11-28. Review status: criteria provided, single submitter. Criteria: GeneDx Variant Classification (06012015). Collection method: clinical testing. Allele origin: germline. Affected: yes.
Comment: This variant is considered likely benign or benign based on one or more of the following criteria: it is a conservative change, it occurs at a poorly conserved position in the protein, it is predicted to be benign by multiple in silico algorithms, and/or has population frequency not consistent with disease.

Breakthrough Genomics
Classification: Benign. Review status: criteria provided, single submitter. Criteria: ACMG Guidelines, 2015. Collection method: not provided. Allele origin: germline. Inheritance: Autosomal dominant inheritance. Affected: yes.

NM_001002295.2(GATA3):c.-49C>T

Gene: GATA3 (GATA binding protein 3; plus strand). Cytogenetic location: 10p14.
Variant type: single nucleotide variant.
Coding change: c.-49C>T on transcript NM_001002295.2 (MANE Select); 49 bases upstream of the start codon, C replaced by T.
Molecular consequence: 5 prime UTR variant.
Genome position (GRCh38, 1-based): chr10:8,055,607, C>T. VCF-style: chr10-8055607-C-T. GRCh37 (hg19) VCF-style: chr10-8097570-C-T.
Other names: c.-49C>T (NM_002051.3).
Identifiers: ClinVar variation 301115 (VCV000301115.6), dbSNP rs11567942, ClinGen allele CA5404268.